The following is an entry in ClinVar:

NM_015971.4(MRPS7):c.536G>A (p.Arg179His)

Gene: MRPS7 (mitochondrial ribosomal protein S7; plus strand). Cytogenetic location: 17q25.1.
Variant type: single nucleotide variant.
Coding change: c.536G>A on transcript NM_015971.4 (MANE Select); coding-DNA position 536, G replaced by A.
Protein change: p.Arg179His; replaces arginine 179 with histidine.
Molecular consequence: missense variant.
Genome position (GRCh38, 1-based): chr17:75,265,730, G>A. VCF-style: chr17-75265730-G-A. GRCh37 (hg19) VCF-style: chr17-73261811-G-A.
Other names: c.536G>A (NM_015971.3); short protein forms R179H.
Identifiers: ClinVar variation 1349478 (VCV001349478.33), dbSNP rs752619610, ClinGen allele CA8760438.

ClinVar aggregate classification (germline): Conflicting classifications of pathogenicity. Review status: criteria provided, conflicting classifications (1 of 4 stars). 3 submissions from 3 submitters: Likely pathogenic (1); Uncertain significance (2). Last evaluated 2025-10-22.

Conditions:
Sensorineural hearing loss disorder. Also called: Sensorineural Deafness; Sensorineural hearing impairment; Sensorineural hearing loss. Identifiers: MedGen C0018784, MeSH D006319, MONDO:0020678, HP:0000407.
Premature menopause. Identifiers: MedGen C0025322, MONDO:0001119.

Allele frequency attached by ClinVar (database versions not stated): gnomAD 0.00003; gnomAD exomes 0.00003 and 0.00004; TOPMed 0.00004; ExAC 0.00006.
gnomAD v4.1: 64 of 1,613,862 alleles (0.004%); highest among the groups gnomAD compares: Admixed American, 0.01%; no homozygotes.

Submissions (3):

Labcorp Genetics (formerly Invitae), Labcorp
Classification: Uncertain significance. Last evaluated: 2025-10-22. Review status: criteria provided, single submitter. Criteria: Invitae Variant Classification Sherloc (09022015). Collection method: clinical testing. Allele origin: germline.
Comment: This sequence change replaces arginine, which is basic and polar, with histidine, which is basic and polar, at codon 179 of the MRPS7 protein (p.Arg179His). This variant is present in population databases (rs752619610, gnomAD 0.01%). This missense change has been observed in individual(s) with premature ovarian insufficiency, deafness and Hashimoto’s disease (PMID: 36421788). ClinVar contains an entry for this variant (Variation ID: 1349478). Invitae Evidence Modeling of protein sequence and biophysical properties (such as structural, functional, and spatial information, amino acid conservation, physicochemical variation, residue mobility, and thermodynamic stability) indicates that this missense variant is expected to disrupt MRPS7 protein function with a positive predictive value of 80%. In summary, the available evidence is currently insufficient to determine the role of this variant in disease. Therefore, it has been classified as a Variant of Uncertain Significance.

Ambry Genetics
Classification: Uncertain significance. Last evaluated: 2024-12-23. Review status: criteria provided, single submitter. Criteria: Ambry Variant Classification Scheme 2023. Collection method: clinical testing. Allele origin: germline.

Reproductive Development, Murdoch Childrens Research Institute
Classification: Likely pathogenic for Premature ovarian insufficiency; Sensorineural hearing loss disorder. Last evaluated: 2022-09-20. Review status: criteria provided, single submitter. Criteria: ACMG Guidelines, 2015. Collection method: research. Allele origin: germline. Affected: yes.

Literature cited by the submitters: PubMed 36421788 (cited by Labcorp Genetics (formerly Invitae), Labcorp).